The following is an entry in ClinVar:

NM_004260.4(RECQL4):c.716C>A (p.Ala239Asp)

Gene: RECQL4 (RecQ like helicase 4; minus strand). Cytogenetic location: 8q24.3.
Variant type: single nucleotide variant.
Coding change: c.716C>A on transcript NM_004260.4 (MANE Select); coding-DNA position 716, C replaced by A.
Protein change: p.Ala239Asp; replaces alanine 239 with aspartic acid.
Molecular consequence: missense variant.
Genome position (GRCh38, 1-based): chr8:144,516,403, G>T on the plus strand (C>A on the coding strand, the complement: RECQL4 is on the minus strand). VCF-style: chr8-144516403-G-T. GRCh37 (hg19) VCF-style: chr8-145741787-G-T.
Other names: short protein forms A239D.
Identifiers: ClinVar variation 1506796 (VCV001506796.6), dbSNP rs146709578, ClinGen allele CA372689545.

ClinVar aggregate classification (germline): Uncertain significance (1 of 4 stars; one submission).

Conditions:
Baller-Gerold syndrome (BGS). Also called: CRANIOSYNOSTOSIS WITH RADIAL DEFECTS. Identifiers: Orphanet 1225, MedGen C0265308, MONDO:0009039, OMIM 218600.

Submission:

Labcorp Genetics (formerly Invitae), Labcorp
Classification: Uncertain significance for Baller-Gerold syndrome. Last evaluated: 2021-07-21. Review status: criteria provided, single submitter. Criteria: Invitae Variant Classification Sherloc (09022015). Collection method: clinical testing. Allele origin: germline.
Comment: Experimental studies and prediction algorithms are not available or were not evaluated, and the functional significance of this variant is currently unknown. In summary, the available evidence is currently insufficient to determine the role of this variant in disease. Therefore, it has been classified as a Variant of Uncertain Significance. This variant has not been reported in the literature in individuals affected with RECQL4-related conditions. This variant is not present in population databases (ExAC no frequency). This sequence change replaces alanine with aspartic acid at codon 239 of the RECQL4 protein (p.Ala239Asp). The alanine residue is moderately conserved and there is a moderate physicochemical difference between alanine and aspartic acid.